The following is an entry in ClinVar:

ClinVar aggregate classification (germline): Uncertain significance (1 of 4 stars; one submission).

Allele frequency attached by ClinVar (database versions not stated): TOPMed below 0.00001.

Submission:

Labcorp Genetics (formerly Invitae), Labcorp
Classification: Uncertain significance. Last evaluated: 2023-06-30. Review status: criteria provided, single submitter. Criteria: Invitae Variant Classification Sherloc (09022015). Collection method: clinical testing. Allele origin: germline.
Comment: This sequence change replaces serine, which is neutral and polar, with arginine, which is basic and polar, at codon 1201 of the TAOK2 protein (p.Ser1201Arg). In summary, the available evidence is currently insufficient to determine the role of this variant in disease. Therefore, it has been classified as a Variant of Uncertain Significance. Algorithms developed to predict the effect of missense changes on protein structure and function output the following: SIFT: "Not Available"; PolyPhen-2: "Benign"; Align-GVGD: "Not Available". The arginine amino acid residue is found in multiple mammalian species, which suggests that this missense change does not adversely affect protein function. This variant has not been reported in the literature in individuals affected with TAOK2-related conditions. This variant is not present in population databases (gnomAD no frequency).

NM_016151.4(TAOK2):c.3603C>A (p.Ser1201Arg)

Gene: TAOK2 (TAO kinase 2; plus strand). Cytogenetic location: 16p11.2.
Variant type: single nucleotide variant.
Coding change: c.3603C>A on transcript NM_016151.4 (MANE Select); coding-DNA position 3603, C replaced by A.
Protein change: p.Ser1201Arg; replaces serine 1201 with arginine.
Molecular consequence: missense variant. On other transcripts: intron variant (1).
Genome position (GRCh38, 1-based): chr16:29,987,875, C>A. VCF-style: chr16-29987875-C-A. GRCh37 (hg19) VCF-style: chr16-29999196-C-A.
Other names: c.3264C>A, p.Ser1088Arg (NM_001252043.2); c.2232+1371C>A (NM_004783.4); short protein forms S1201R, S1088R.
Identifiers: ClinVar variation 2916326 (VCV002916326.3), dbSNP rs2069862494, ClinGen allele CA395502010.